The following is an entry in ClinVar:

ClinVar aggregate classification (germline): Uncertain significance. Review status: criteria provided, multiple submitters, no conflicts (2 of 4 stars). 2 submissions from 2 submitters: Uncertain significance (2). Last evaluated 2024-03-28.

Conditions:
Cardiomyopathy (CMYO). Also called: Cardiomyopathies. Identifiers: Orphanet 167848, MedGen C0878544, MONDO:0004994, HP:0001638. Inheritance: Various modes of inheritance.
Arrhythmogenic right ventricular dysplasia 10. Also called: ARRHYTHMOGENIC RIGHT VENTRICULAR DYSPLASIA, FAMILIAL, 10; Arrhythmogenic right ventricular dysplasia/cardiomyopathy, type 10; Arrhythmogenic Right Ventricular Dysplasia/Cardiomyopathy10. Identifiers: MedGen C1857777, MONDO:0012434, OMIM 610193.

Submissions (2):

Labcorp Genetics (formerly Invitae), Labcorp
Classification: Uncertain significance for Arrhythmogenic right ventricular dysplasia 10. Last evaluated: 2024-03-28. Review status: criteria provided, single submitter. Criteria: Invitae Variant Classification Sherloc (09022015). Collection method: clinical testing. Allele origin: germline.
Comment: This sequence change replaces asparagine, which is neutral and polar, with lysine, which is basic and polar, at codon 932 of the DSG2 protein (p.Asn932Lys). This variant is not present in population databases (gnomAD no frequency). This variant has not been reported in the literature in individuals affected with DSG2-related conditions. ClinVar contains an entry for this variant (Variation ID: 926275). Advanced modeling of protein sequence and biophysical properties (such as structural, functional, and spatial information, amino acid conservation, physicochemical variation, residue mobility, and thermodynamic stability) performed at Invitae indicates that this missense variant is not expected to disrupt DSG2 protein function with a negative predictive value of 95%. In summary, the available evidence is currently insufficient to determine the role of this variant in disease. Therefore, it has been classified as a Variant of Uncertain Significance.

Color Diagnostics, LLC DBA Color Health
Classification: Uncertain significance for Cardiomyopathy. Last evaluated: 2023-12-05. Review status: criteria provided, single submitter. Criteria: ACMG Guidelines, 2015. Collection method: clinical testing. Allele origin: germline.
Comment: This missense variant replaces asparagine with lysine at codon 932 of the DSG2 protein. Computational prediction tools and conservation analyses are inconclusive regarding the impact of this variant on the protein function. Computational splicing tools suggest that this variant may not impact RNA splicing. To our knowledge, functional assays have not been performed for this variant nor has this variant been reported in individuals affected with cardiovascular disorders in the literature. This variant has not been identified in the general population by the Genome Aggregation Database (gnomAD). Available evidence is insufficient to determine the role of this variant in disease conclusively. Therefore, this variant is classified as a Variant of Uncertain Significance.

NM_001943.5(DSG2):c.2796T>G (p.Asn932Lys)

Genes: DSG2 (desmoglein 2; plus strand), DSG2-AS1 (DSG2 antisense RNA 1; minus strand). Cytogenetic location: 18q12.1.
Variant type: single nucleotide variant.
Coding change: c.2796T>G on transcript NM_001943.5 (MANE Select); coding-DNA position 2796, T replaced by G.
Protein change: p.Asn932Lys; replaces asparagine 932 with lysine.
Molecular consequence: missense variant.
Genome position (GRCh38, 1-based): chr18:31,546,182, T>G. VCF-style: chr18-31546182-T-G. GRCh37 (hg19) VCF-style: chr18-29126145-T-G.
Other names: short protein forms N932K.
Identifiers: ClinVar variation 926275 (VCV000926275.7), dbSNP rs2073307337, ClinGen allele CA402146775.